The following is an entry in ClinVar:

NM_178012.5(TUBB2B):c.953G>A (p.Arg318Gln)

Gene: TUBB2B (tubulin beta 2B class IIb; minus strand). Cytogenetic location: 6p25.2.
Variant type: single nucleotide variant.
Coding change: c.953G>A on transcript NM_178012.5 (MANE Select); coding-DNA position 953, G replaced by A.
Protein change: p.Arg318Gln; replaces arginine 318 with glutamine.
Molecular consequence: missense variant.
Genome position (GRCh38, 1-based): chr6:3,225,136, C>T on the plus strand (G>A on the coding strand, the complement: TUBB2B is on the minus strand). VCF-style: chr6-3225136-C-T. GRCh37 (hg19) VCF-style: chr6-3225370-C-T.
Other names: short protein forms R318Q.
Identifiers: ClinVar variation 1193251 (VCV001193251.4), dbSNP rs2113819002, ClinGen allele CA362586318.

ClinVar aggregate classification (germline): Likely pathogenic (1 of 4 stars; one submission).

Submission:

GeneDx
Classification: Likely pathogenic. Last evaluated: 2022-07-06. Review status: criteria provided, single submitter. Criteria: GeneDx Variant Classification Process June 2021. Collection method: clinical testing. Allele origin: germline. Affected: yes.
Comment: Not observed in large population cohorts (gnomAD); In silico analysis supports that this missense variant has a deleterious effect on protein structure/function; Missense variants in this gene are often considered pathogenic (HGMD); Has not been previously published as pathogenic or benign to our knowledge; This variant is associated with the following publications: (PMID: 27010057)